The following is an entry in ClinVar:

NM_000159.4(GCDH):c.1204C>G (p.Arg402Gly)

Gene: GCDH (glutaryl-CoA dehydrogenase; plus strand). Cytogenetic location: 19p13.13.
Variant type: single nucleotide variant.
Coding change: c.1204C>G on transcript NM_000159.4 (MANE Select); coding-DNA position 1204, C replaced by G.
Protein change: p.Arg402Gly; replaces arginine 402 with glycine.
Molecular consequence: missense variant. On other transcripts: non-coding transcript variant (2).
Genome position (GRCh38, 1-based): chr19:12,897,824, C>G. VCF-style: chr19-12897824-C-G. GRCh37 (hg19) VCF-style: chr19-13008638-C-G.
Other names: c.1204C>G, p.Arg402Gly (NM_013976.5); short protein forms R402G.
Identifiers: ClinVar variation 2906270 (VCV002906270.3), dbSNP rs121434369, ClinGen allele CA404321777.
Genomic context (GRCh38, chr19:12,897,824, plus strand): 5'-GCCCGCCAGGCCCGAGACATGCTGGGGGGGAATGGGATTTCTGACGAGTATCACGTGATC[C>G]GGCACGCCATGAACCTGGAGGCCGTGAACACCTACGAAGGTAGGAGCTGGACCTCAGAGG-3'
Protein context (NP_000150.1, residues 392-412): NGISDEYHVI[Arg402Gly]HAMNLEAVNT

ClinVar aggregate classification (germline): Pathogenic (1 of 4 stars; one submission).

Conditions:
Glutaric aciduria, type 1. Also called: GA I; Glutaric Acidemia Type 1; Glutaryl-CoA dehydrogenase deficiency; Glutaric acidemia type I; Glutaricacidemia Type 1; Glutaricaciduria, type I. Identifiers: Orphanet 25, MedGen C0268595, MONDO:0009281, OMIM 231670.

gnomAD v4.1: 1 of 1,613,928 alleles (0.000062%); no homozygotes.

Submission:

Labcorp Genetics (formerly Invitae), Labcorp
Classification: Pathogenic for Glutaric aciduria, type 1. Last evaluated: 2023-01-16. Review status: criteria provided, single submitter. Criteria: Invitae Variant Classification Sherloc (09022015). Collection method: clinical testing. Allele origin: germline.
Comment: For these reasons, this variant has been classified as Pathogenic. This variant disrupts the p.Arg402 amino acid residue in GCDH. Other variant(s) that disrupt this residue have been determined to be pathogenic (PMID: 8900227, 10649503, 11073722, 20732827, 28352331, 28438223). This suggests that this residue is clinically significant, and that variants that disrupt this residue are likely to be disease-causing. Advanced modeling of protein sequence and biophysical properties (such as structural, functional, and spatial information, amino acid conservation, physicochemical variation, residue mobility, and thermodynamic stability) performed at Invitae indicates that this missense variant is expected to disrupt GCDH protein function. This missense change has been observed in individual(s) with glutaric aciduria type I (PMID: 15505393). This variant is not present in population databases (gnomAD no frequency). This sequence change replaces arginine, which is basic and polar, with glycine, which is neutral and non-polar, at codon 402 of the GCDH protein (p.Arg402Gly).

Literature cited by the submitters: PubMed 8900227; PubMed 10649503; PubMed 11073722; PubMed 20732827; PubMed 28352331; PubMed 28438223; PubMed 15505393.